The following is an entry in ClinVar:

NC_000001.10:g.(17359641_17371255)_(17380528_?)dup

Gene: SDHB (succinate dehydrogenase complex iron sulfur subunit B; minus strand). Cytogenetic location: 1p36.13.
Variant type: Duplication.
Identifiers: ClinVar variation 3384999 (VCV003384999.1).

ClinVar aggregate classification (germline): Uncertain significance (1 of 4 stars; one submission).

Submission:

Women's Health and Genetics/Laboratory Corporation of America, LabCorp
Classification: Uncertain significance. Last evaluated: 2024-10-02. Review status: criteria provided, single submitter. Criteria: LabCorp Variant Classification Summary - May 2015. Collection method: clinical testing. Allele origin: germline.
Comment: Variant summary: The variant involves the duplication of exons 1-2 in the SDHB gene. A presumed nomenclature of c.(?_-14)_(200+1_201-1)dup has been designated for the purposes of this classification. The exact breakpoint at the 5' end of this variant is unknown, therefore this duplication may extend upstream of the annotated region of this gene. It is predicted to duplicate a segment including the initiation codon, therefore its impact on the encoded protein is unknown. The variant was absent in 21694 control chromosomes. The available data on variant occurrences in the general population are insufficient to allow any conclusion about variant significance. To our knowledge, no occurrence of c.(?_-14)_(200+1_201-1)dup in individuals affected with SDHB-related conditions and no experimental evidence demonstrating its impact on protein function have been reported. ClinVar contains an entry for a similar copy number variant (Variation ID: 3247658). Based on the evidence outlined above, the variant was classified as uncertain significance.